The following is an entry in ClinVar:

ClinVar aggregate classification (germline): Uncertain significance (1 of 4 stars; one submission).

Conditions:
Cardiovascular phenotype. Identifiers: MedGen CN230736.

Submission:

Ambry Genetics
Classification: Uncertain significance for Cardiovascular phenotype. Last evaluated: 2026-08-10. Review status: criteria provided, single submitter. Criteria: Ambry Variant Classification Scheme 2023. Collection method: clinical testing. Allele origin: germline.
Comment: The p.R476G variant (also known as c.1426A>G), located in coding exon 25 of the COL1A2 gene, results from an A to G substitution at nucleotide position 1426. The arginine at codon 476 is replaced by glycine, an amino acid with dissimilar properties. This amino acid position is conserved. In addition, this alteration is predicted to be deleterious by in silico analysis. Based on the available evidence, the clinical significance of this variant remains unclear.

NM_000089.4(COL1A2):c.1426A>G (p.Arg476Gly)

Gene: COL1A2 (collagen type I alpha 2 chain; plus strand). Cytogenetic location: 7q21.3.
Variant type: single nucleotide variant.
Coding change: c.1426A>G on transcript NM_000089.4 (MANE Select); coding-DNA position 1426, A replaced by G.
Protein change: p.Arg476Gly; replaces arginine 476 with glycine.
Molecular consequence: missense variant.
Genome position (GRCh38, 1-based): chr7:94,412,605, A>G. VCF-style: chr7-94412605-A-G. GRCh37 (hg19) VCF-style: chr7-94041917-A-G.
Other names: short protein forms R476G.
Identifiers: ClinVar variation 5034734 (VCV005034734.1).
Genomic context (GRCh38, chr7:94,412,605, plus strand): 5'-TGTTGACACTGAGTAAACTTGAAATAACTCTGCTTTCAGGGCCTCCCTGGCATCGACGGC[A>G]GGCCTGGCCCAATTGGCCCAGCTGGAGCAAGAGGAGAGCCTGGCAACATTGGATTCCCTG-3'
Protein context (NP_000080.2, residues 466-486): GPVGLPGIDG[Arg476Gly]PGPIGPAGAR